The following is an entry in ClinVar:

ClinVar aggregate classification (germline): Uncertain significance (1 of 4 stars; one submission).

Allele frequency attached by ClinVar (database versions not stated): gnomAD exomes below 0.00001; TOPMed below 0.00001; gnomAD 0.00001.
gnomAD v4.1: 6 of 1,614,094 alleles (0.00037%); highest among the groups gnomAD compares: Non-Finnish European, 0.00042%; no homozygotes.

Submission:

Labcorp Genetics (formerly Invitae), Labcorp
Classification: Uncertain significance. Last evaluated: 2023-11-27. Review status: criteria provided, single submitter. Criteria: Invitae Variant Classification Sherloc (09022015). Collection method: clinical testing. Allele origin: germline.
Comment: This sequence change replaces serine, which is neutral and polar, with alanine, which is neutral and non-polar, at codon 484 of the PTPN23 protein (p.Ser484Ala). This variant is present in population databases (no rsID available, gnomAD 0.01%). This variant has not been reported in the literature in individuals affected with PTPN23-related conditions. ClinVar contains an entry for this variant (Variation ID: 1921171). Experimental studies and prediction algorithms are not available or were not evaluated, and the functional significance of this variant is currently unknown. In summary, the available evidence is currently insufficient to determine the role of this variant in disease. Therefore, it has been classified as a Variant of Uncertain Significance.

NM_015466.4(PTPN23):c.1450T>G (p.Ser484Ala)

Gene: PTPN23 (protein tyrosine phosphatase non-receptor type 23; plus strand). Cytogenetic location: 3p21.31.
Variant type: single nucleotide variant.
Coding change: c.1450T>G on transcript NM_015466.4 (MANE Select); coding-DNA position 1450, T replaced by G.
Protein change: p.Ser484Ala; replaces serine 484 with alanine.
Molecular consequence: missense variant.
Genome position (GRCh38, 1-based): chr3:47,408,895, T>G. VCF-style: chr3-47408895-T-G. GRCh37 (hg19) VCF-style: chr3-47450385-T-G.
Other names: c.1072T>G, p.Ser358Ala (NM_001304482.2); short protein forms S484A, S358A.
Identifiers: ClinVar variation 1921171 (VCV001921171.3), dbSNP rs1050729954, ClinGen allele CA73876531.